The following is an entry in ClinVar:

NM_001972.4(ELANE):c.746C>T (p.Ser249Phe)

Gene: ELANE (elastase, neutrophil expressed; plus strand). Cytogenetic location: 19p13.3.
Variant type: single nucleotide variant.
Coding change: c.746C>T on transcript NM_001972.4 (MANE Select); coding-DNA position 746, C replaced by T.
Protein change: p.Ser249Phe; replaces serine 249 with phenylalanine.
Molecular consequence: missense variant.
Genome position (GRCh38, 1-based): chr19:856,106, C>T. VCF-style: chr19-856106-C-T. GRCh37 (hg19) VCF-style: chr19-856106-C-T.
Other names: c.746C>T (LRG_57t1); short protein forms S249F.
Identifiers: ClinVar variation 242288 (VCV000242288.45), dbSNP rs201224216, ClinGen allele CA9026154.

ClinVar aggregate classification (germline): Benign/Likely benign. Review status: criteria provided, multiple submitters, no conflicts (2 of 4 stars). 6 submissions from 6 submitters: Benign (2); Likely benign (2). 2 of the submissions do not count toward it. Last evaluated 2025-12-22.

Conditions:
ELANE-related disorder. Also called: ELANE-related condition.
Autoinflammatory syndrome. Identifiers: Orphanet 93665, MedGen C3890737, MONDO:0019751.
Neutropenia, severe congenital, 1, autosomal dominant. Identifiers: MedGen C1859966, MONDO:0042490, OMIM 202700.
Cyclical neutropenia. Also called: Cyclic hematopoiesis; Cyclic Neutropenia. Identifiers: Orphanet 2686, MedGen C0221023, MONDO:0008090, OMIM 162800, HP:0040289. Disease mechanism: loss of function.

Allele frequency attached by ClinVar (database versions not stated): gnomAD below 0.00001 and 0.00003; 1000 Genomes Project 30x 0.00016; 1000 Genomes Project 0.00020; gnomAD exomes 0.00021; ExAC 0.00027.

Submissions (6):

Labcorp Genetics (formerly Invitae), Labcorp
Classification: Likely benign for Neutropenia, severe congenital, 1, autosomal dominant; Cyclical neutropenia. Last evaluated: 2025-12-22. Review status: criteria provided, single submitter. Criteria: Invitae Variant Classification Sherloc (09022015). Collection method: clinical testing. Allele origin: germline.

CeGaT Center for Human Genetics Tuebingen
Classification: Benign. Last evaluated: 2022-07-01. Review status: criteria provided, single submitter. Criteria: CeGaT Center For Human Genetics Tuebingen Variant Classification Criteria Version 2. Collection method: clinical testing. Allele origin: germline. Affected: yes. Observed: 1 variant allele.
Comment: ELANE: BS1, BS2

Genome Diagnostics Laboratory, The Hospital for Sick Children
Classification: Benign for Autoinflammatory syndrome. Last evaluated: 2022-04-25. Review status: criteria provided, single submitter. Criteria: ACMG Guidelines, 2015. Collection method: clinical testing. Allele origin: germline. Affected: yes.

GeneDx
Classification: Likely benign. Last evaluated: 2018-07-24. Review status: criteria provided, single submitter. Criteria: GeneDx Variant Classification Process June 2021. Collection method: clinical testing. Allele origin: germline. Affected: yes.

Genetic Services Laboratory, University of Chicago
Classification: Likely benign. Last evaluated: 2022-11-30. Review status: no assertion criteria provided. Collection method: clinical testing. Allele origin: germline. Affected: no. Not counted in ClinVar's aggregate classification.

PreventionGenetics, part of Exact Sciences
Classification: Likely benign for ELANE-related condition. Last evaluated: 2021-01-15. Review status: no assertion criteria provided. Collection method: clinical testing. Allele origin: germline. Not counted in ClinVar's aggregate classification.
Comment: This variant is classified as likely benign based on ACMG/AMP sequence variant interpretation guidelines (Richards et al. 2015 PMID: 25741868, with internal and published modifications).